The following is an entry in ClinVar:

NM_001384140.1(PCDH15):c.1900G>A (p.Val634Ile)

Gene: PCDH15 (protocadherin related 15; minus strand). Cytogenetic location: 10q21.1.
Variant type: single nucleotide variant.
Coding change: c.1900G>A on transcript NM_001384140.1 (MANE Select); coding-DNA position 1900, G replaced by A.
Protein change: p.Val634Ile; replaces valine 634 with isoleucine.
Molecular consequence: missense variant. On other transcripts: intron variant (1).
Genome position (GRCh38, 1-based): chr10:54,132,892, C>T on the plus strand (G>A on the coding strand, the complement: PCDH15 is on the minus strand). VCF-style: chr10-54132892-C-T. GRCh37 (hg19) VCF-style: chr10-55892652-C-T.
Other names: c.1915G>A, p.Val639Ile (NM_001142763.2, NM_001142771.2); c.1900G>A, p.Val634Ile (NM_001142764.2, NM_001142766.2, NM_001142770.3 and 5 more transcripts); c.1789G>A, p.Val597Ile (NM_001142767.2); c.1834G>A, p.Val612Ile (NM_001142768.2, NM_001142773.2, NM_001354404.2); c.1936G>A, p.Val646Ile (NM_001142769.4); c.1921G>A, p.Val641Ile (NM_001354411.2); c.1784+20208G>A (NM_001142765.2); short protein forms V634I, V646I, V597I, V612I, V639I, V641I.
Identifiers: ClinVar variation 300192 (VCV000300192.54), dbSNP rs146199636, ClinGen allele CA5506236.

ClinVar aggregate classification (germline): Conflicting classifications of pathogenicity. Review status: criteria provided, conflicting classifications (1 of 4 stars). 12 submissions from 11 submitters: Uncertain significance (6); Benign (1); Likely benign (3). 2 of the submissions do not count toward it. Last evaluated 2026-01-12.

Conditions:
PCDH15-related disorder. Also called: PCDH15-related condition; PCDH15-related disorders.
Usher syndrome type 1D (USH1D). Also called: USHER SYNDROME, TYPE ID. Identifiers: Orphanet 231169, Orphanet 886, MedGen C1832845, MONDO:0010984, OMIM 601067.
Usher syndrome type 1F (USH1F). Also called: USHER SYNDROME, TYPE IF. Identifiers: Orphanet 231169, Orphanet 886, MedGen C1865885, MONDO:0011186, OMIM 602083.
Autosomal recessive nonsyndromic hearing loss 23. Identifiers: Orphanet 90636, MedGen C1836027, MONDO:0012293, OMIM 609533.
Usher syndrome type 1 (USH1). Also called: RETINITIS PIGMENTOSA AND CONGENITAL DEAFNESS. Identifiers: Orphanet 231169, Orphanet 886, MedGen C1568247, MONDO:0010168, OMIM 276900.

Allele frequency attached by ClinVar (database versions not stated): gnomAD 0.00013 and 0.00023; TOPMed 0.00014; ESP Exome Variant Server 0.00015; gnomAD exomes 0.00032 and 0.00058; 1000 Genomes Project 30x 0.00062; ExAC 0.00069; 1000 Genomes Project 0.00080.
gnomAD v4.1: 513 of 1,613,378 alleles (0.032%); highest among the groups gnomAD compares: South Asian, 0.33%; 3 homozygotes.

Submissions (12):

Labcorp Genetics (formerly Invitae), Labcorp
Classification: Likely benign. Last evaluated: 2026-01-12. Review status: criteria provided, single submitter. Criteria: Invitae Variant Classification Sherloc (09022015). Collection method: clinical testing. Allele origin: germline.

CeGaT Center for Human Genetics Tuebingen
Classification: Likely benign. Last evaluated: 2025-08-01. Review status: criteria provided, single submitter. Criteria: CeGaT Center For Human Genetics Tuebingen Variant Classification Criteria Version 2. Collection method: clinical testing. Allele origin: germline. Affected: yes. Observed: 4 variant alleles.
Comment: PCDH15: BP4

Blueprint Genetics
Classification: Likely benign. Last evaluated: 2024-10-14. Review status: criteria provided, single submitter. Criteria: ACMG Guidelines, 2015. Collection method: clinical testing. Allele origin: germline.

Genome-Nilou Lab
Classification: Uncertain significance for Usher syndrome type 1F. Last evaluated: 2021-07-14. Review status: criteria provided, single submitter. Criteria: ACMG Guidelines, 2015. Collection method: clinical testing. Allele origin: germline. Affected: no.

Genome-Nilou Lab
Classification: Uncertain significance for Autosomal recessive nonsyndromic hearing loss 23. Last evaluated: 2021-07-14. Review status: criteria provided, single submitter. Criteria: ACMG Guidelines, 2015. Collection method: clinical testing. Allele origin: germline. Affected: no.

Pars Genome Lab
Classification: Uncertain significance for Usher syndrome type 1F. Last evaluated: 2021-05-18. Review status: criteria provided, single submitter. Criteria: ACMG Guidelines, 2015. Collection method: clinical testing. Allele origin: germline. Affected: no.

Fulgent Genetics
Classification: Uncertain significance for Usher syndrome type 1D; Usher syndrome type 1F; Autosomal recessive nonsyndromic hearing loss 23. Last evaluated: 2018-10-31. Review status: criteria provided, single submitter. Criteria: ACMG Guidelines, 2015. Collection method: clinical testing. Allele origin: unknown.

Laboratory for Molecular Medicine, Mass General Brigham Personalized Medicine
Classification: Benign. Last evaluated: 2018-05-15. Review status: criteria provided, single submitter. Criteria: LMM Criteria. Collection method: clinical testing. Allele origin: germline. Observed: 2 variant alleles.
Comment: p.Val634Ile in exon 15 of PCDH15: This variant is classified as benign due to a lack of conservation across species, including mammals. Of note, >40 mammals hav e an Isoleucine (Ile) at this position despite high nearby amino acid conservati on. In addition, computational prediction tools do not suggest a high likelihood of impact to the protein. It has been identified in 0.32% (97/30666) of South A sian chromosomes by the Genome Aggregation Database (gnomAD; dbSNP rs146199636). ACMG/AMP criteria applied: BS1, BP4_Strong.

Illumina Laboratory Services, Illumina
Classification: Uncertain significance for Usher syndrome type 1. Last evaluated: 2018-01-12. Review status: criteria provided, single submitter. Criteria: ICSL Variant Classification Criteria 13 December 2019. Collection method: clinical testing. Allele origin: germline.

Eurofins Ntd Llc (ga)
Classification: Uncertain significance. Last evaluated: 2017-03-09. Review status: criteria provided, single submitter. Criteria: EGL Classification Definitions 2015. Collection method: clinical testing. Allele origin: germline. Observed: 1 variant allele, 1 heterozygote.

PreventionGenetics, part of Exact Sciences
Classification: Likely benign for PCDH15-related condition. Last evaluated: 2024-09-11. Review status: no assertion criteria provided. Collection method: clinical testing. Allele origin: germline. Not counted in ClinVar's aggregate classification.
Comment: This variant is classified as likely benign based on ACMG/AMP sequence variant interpretation guidelines (Richards et al. 2015 PMID: 25741868, with internal and published modifications).

Natera, Inc.
Classification: Uncertain significance for Usher syndrome type 1F. Last evaluated: 2020-04-17. Review status: no assertion criteria provided. Collection method: clinical testing. Allele origin: germline. Not counted in ClinVar's aggregate classification.